The following is an entry in ClinVar:

NM_002788.4(PSMA3):c.266C>T (p.Ala89Val)

Gene: PSMA3 (proteasome 20S subunit alpha 3; plus strand). Cytogenetic location: 14q23.1.
Variant type: single nucleotide variant.
Coding change: c.266C>T on transcript NM_002788.4 (MANE Select); coding-DNA position 266, C replaced by T.
Protein change: p.Ala89Val; replaces alanine 89 with valine.
Molecular consequence: missense variant. On other transcripts: non-coding transcript variant (1).
Genome position (GRCh38, 1-based): chr14:58,257,782, C>T. VCF-style: chr14-58257782-C-T. GRCh37 (hg19) VCF-style: chr14-58724500-C-T.
Other names: c.266C>T, p.Ala89Val (NM_152132.3); short protein forms A89V.
Identifiers: ClinVar variation 4704063 (VCV004704063.1).

ClinVar aggregate classification (germline): Uncertain significance (1 of 4 stars; one submission).

Submission:

Labcorp Genetics (formerly Invitae), Labcorp
Classification: Uncertain significance. Last evaluated: 2025-03-31. Review status: criteria provided, single submitter. Criteria: Invitae Variant Classification Sherloc (09022015). Collection method: clinical testing. Allele origin: germline.
Comment: This sequence change replaces alanine, which is neutral and non-polar, with valine, which is neutral and non-polar, at codon 89 of the PSMA3 protein (p.Ala89Val). This variant is not present in population databases (gnomAD no frequency). This variant has not been reported in the literature in individuals affected with PSMA3-related conditions. An algorithm developed to predict the effect of missense changes on protein structure and function (PolyPhen-2) suggests that this variant is likely to be tolerated. In summary, the available evidence is currently insufficient to determine the role of this variant in disease. Therefore, it has been classified as a Variant of Uncertain Significance.